The following is an entry in ClinVar:

ClinVar aggregate classification (germline): Uncertain significance. Review status: reviewed by expert panel (3 of 4 stars). 16 submissions from 13 submitters: Uncertain significance (1). 15 of the submissions do not count toward it. Last evaluated 2025-07-01.

Conditions:
Cardiovascular phenotype. Identifiers: MedGen CN230736.
Cardiac arrhythmia. Also called: Arrhythmia; Cardiac rhythm disease. Identifiers: MedGen C0003811, MONDO:0007263, HP:0011675.
KCNQ1-related disorder. Also called: KCNQ1-related condition; KCNQ1-related disorders. Identifiers: MedGen CN239322.
Familial long QT syndrome (RWS). Also called: Congenital long QT syndrome; Romano-Ward syndrome; VENTRICULAR FIBRILLATION WITH PROLONGED QT INTERVAL. Identifiers: Orphanet 768, MedGen C1141890, MONDO:0019171.
Long QT syndrome (LQTS). Identifiers: MedGen C0023976, MeSH D008133, MONDO:0002442. Disease mechanism: loss of function. Inheritance: Various modes of inheritance.
Jervell and Lange-Nielsen syndrome 1 (JLNS1). Also called: CARDIOAUDITORY SYNDROME OF JERVELL AND LANGE-NIELSEN; DEAFNESS, CONGENITAL, AND FUNCTIONAL HEART DISEASE; PROLONGED QT INTERVAL IN EKG AND SUDDEN DEATH; SURDO-CARDIAC SYNDROME. Identifiers: Orphanet 768, Orphanet 90647, MedGen C4551509, MONDO:0024540, OMIM 220400.
Long QT syndrome 1 (LQT1). Identifiers: Orphanet 101016, Orphanet 768, MedGen C4551647, MONDO:0100316, OMIM 192500, MONDO:0008646.
Short QT syndrome type 2. Identifiers: Orphanet 51083, MedGen C1865019, MONDO:0012313, OMIM 609621.
Atrial fibrillation, familial, 3 (ATFB3). Identifiers: MedGen C1837014, MONDO:0011857, OMIM 607554.

Allele frequency attached by ClinVar (database versions not stated): TOPMed 0.00004.
gnomAD v4.1: 64 of 1,613,266 alleles (0.004%); highest among the groups gnomAD compares: Non-Finnish European, 0.0053%; no homozygotes.

Submissions 1 to 7 of 16:

ClinGen Potassium Channel Arrhythmia Variant Curation Expert Panel, ClinGen
Classification: Uncertain significance for Long QT syndrome 1. Last evaluated: 2025-07-01. Review status: reviewed by expert panel. Criteria: ClinGen KChannel ACMG Specifications KCNQ1 V1.0.0 2. Collection method: curation. Allele origin: germline. Inheritance: Autosomal dominant inheritance.
Comment: NM_000218.3(KCNQ1):c.1343C>T is a missense variant ithat substitutes proline with leucine at codon 448 (p.Pro448Leu). This variant is present in gnomAD v.4.1.0 at a maximum allele frequency of 0.00005254, with 62 alleles / 1,179,942 total alleles in the European non-Finnish population, which is higher than the ClinGen Potassium Channel Arrhythmia VCEP PM2_Supporting threshold of <0.00001, but lower than the BS1 threshold of >0.0004 so neither criterion is met. This variant has been reported in at least 1 proband affected with long QT syndrome 1, however, the requirement for 2 unrelated probands has not been reached so the PS4_Supporting code is not yet met (PMID: 23392653, PMID: 19716085, PMID: 25854863). The variant has been observed in a family with long QT syndrome but fails to segregate with the disease phenotype in at least 1 affected member (PMID: 23392653; BS4_Supporting). The computational predictor REVEL gives a score of 0.592, which is below the ClinGen Potassium Channel Arrhythmia VCEP PP3 threshold of >0.75 but higher than the BP4 threshold of <0.25 and does not strongly predict a damaging effect on KCNQ1 function. The computational splicing predictor SpliceAI gives a score of 0.00, which is lower than the ClinGen Potassium Channel Arrhythmia VCEP PP3 threshold of >0.5 and does not strongly predict a damaging effect on KCNQ1 splicing. In summary, this variant meets the criteria to be classified as a variant of uncertain significance for long QT syndrome 1 based on the ACMG/AMP criteria applied, as specified by the ClinGen Potassium Channel Arrhythmia VCEP: BS4_Supporting. (VCEP specifications version 1.0.0; date of approval 03/04/2025).

Ambry Genetics
Classification: Uncertain significance for Cardiovascular phenotype. Last evaluated: 2026-03-26. Review status: criteria provided, single submitter. Criteria: Ambry Variant Classification Scheme 2023. Collection method: clinical testing. Allele origin: germline. Not counted in ClinVar's aggregate classification.
Comment: The c.1343C>T (p.P448L) alteration is located in exon 10 (coding exon 10) of the KCNQ1 gene. This alteration results from a C to T substitution at nucleotide position 1343, causing the proline (P) at amino acid position 448 to be replaced by a leucine (L). Based on data from gnomAD, the T allele has an overall frequency of 0.003% (7/281750) total alleles studied. The highest observed frequency was 0.028% (2/7204) of Other alleles. Based on insufficient or conflicting evidence, the clinical significance of this alteration remains unclear.

Labcorp Genetics (formerly Invitae), Labcorp
Classification: Likely benign for Long QT syndrome. Last evaluated: 2025-12-24. Review status: criteria provided, single submitter. Criteria: Invitae Variant Classification Sherloc (09022015). Collection method: clinical testing. Allele origin: germline. Not counted in ClinVar's aggregate classification.

PreventionGenetics, part of Exact Sciences
Classification: Uncertain significance for KCNQ1-related condition. Last evaluated: 2025-10-13. Review status: criteria provided, single submitter. Criteria: ACMG Guidelines, 2015. Collection method: clinical testing. Allele origin: germline. Not counted in ClinVar's aggregate classification.
Comment: The KCNQ1 c.1343C>T variant is predicted to result in the amino acid substitution p.Pro448Leu. Familial segregation studies found this variant in 4 asymptomatic members with normal QT intervals, while the other KCNQ1 variant was identified in 4 other affected members, suggesting that the p.Pro448Leu variant was less likely to be a primary cause of disease (family LQT1f in Figure 1 and supplementary material, Giudicessi et al. 2013. PubMed ID: 23392653). This variant has also been reported in an individual with syncope, and in vitro functional studies suggested it could be a mild loss-of-function variant (Glazer et al. 2022. PubMed ID: 34930020). This variant is reported in 0.0039% of alleles in individuals of European (Non-Finnish) descent in gnomAD and interpreted as uncertain significance by ClinGen potassium channel arrhythmia variant curation expert panel (Variation ID: 67027). At this time, the clinical significance of this variant is uncertain due to the absence of conclusive functional and genetic evidence.

Color Diagnostics, LLC DBA Color Health
Classification: Uncertain significance for Cardiac arrhythmia. Last evaluated: 2025-06-24. Review status: criteria provided, single submitter. Criteria: ACMG Guidelines, 2015. Collection method: clinical testing. Allele origin: germline. Not counted in ClinVar's aggregate classification.
Comment: This missense variant replaces proline with leucine at codon 448 of the KCNQ1 protein. Computational prediction tool is inconclusive regarding the impact of this variant on protein structure and function. A functional study has shown that this variant results in reduced channel peak current density when expressed in Chinese hamster ovary cells (PMID: 34930020). This variant has been reported in an individual affected with long QT syndrome as well as in four relatives with normal QT intervals (PMID: 23392653). In this family, another four individuals with significant QT prolongation were not carriers of this variant, but a different variant in the same gene, p.Pro320Ser (ClinVar variation ID: 67130), which was also carried by the original affected individual. This variant has also been reported in another individual noted with syncope in a population screening study, who had no previous indication for cardiac genetic screening (PMID: 34930020). This variant has been identified in 7/281750 chromosomes in the general population by the Genome Aggregation Database (gnomAD). The available evidence is insufficient to determine the role of this variant in disease conclusively. Therefore, this variant is classified as a Variant of Uncertain Significance.

All of Us Research Program, National Institutes of Health
Classification: Uncertain significance for Long QT syndrome. Last evaluated: 2024-09-23. Review status: criteria provided, single submitter. Criteria: ACMG Guidelines, 2015. Collection method: clinical testing. Allele origin: germline. Inheritance: Autosomal dominant inheritance. Observed: 17 variant alleles, 17 heterozygotes. Not counted in ClinVar's aggregate classification.
Comment: This missense variant replaces proline with leucine at codon 448 of the KCNQ1 protein. Computational prediction is inconclusive regarding the impact of this variant on protein structure and function (internally defined REVEL score threshold 0.5 < inconclusive < 0.7, PMID: 27666373). A functional study has shown that this variant results in reduced channel peak current density when expressed in Chinese hamster ovary cells (PMID: 34930020). This variant has been reported in a proband affected with long QT syndrome as well as in four relatives with normal QT intervals (PMID: 23392653). In this family, another four individuals with significant QT prolongation were not carriers of this variant, but a different variant in the same gene, p.Pro320Ser (ClinVar variation ID 67130), which was also carried by the proband. This variant has also been reported in another individual noted with syncope in a population screening study, who had no previous indication for cardiac genetic screening (PMID: 34930020). This variant has been identified in 7/281750 chromosomes in the general population by the Genome Aggregation Database (gnomAD). The available evidence is insufficient to determine the role of this variant in disease conclusively. Therefore, this variant is classified as a Variant of Uncertain Significance.

This study involves interpretation of variants in research participants for the purpose of population health screening. Participant phenotype was not available at the time of variant classification. Additional details can be found in publication PMID: 35346344, PMCID: PMC8962531

Blueprint Genetics
Classification: Uncertain significance. Last evaluated: 2024-04-15. Review status: criteria provided, single submitter. Criteria: ACMG Guidelines, 2015. Collection method: clinical testing. Allele origin: germline. Not counted in ClinVar's aggregate classification.

NM_000218.3(KCNQ1):c.1343C>T (p.Pro448Leu)

Gene: KCNQ1 (potassium voltage-gated channel subfamily Q member 1; plus strand). Cytogenetic location: 11p15.5.
Variant type: single nucleotide variant.
Coding change: c.1343C>T on transcript NM_000218.3 (MANE Select); coding-DNA position 1343, C replaced by T.
Protein change: p.Pro448Leu; replaces proline 448 with leucine.
Molecular consequence: missense variant.
Genome position (GRCh38, 1-based): chr11:2,588,804, C>T. VCF-style: chr11-2588804-C-T. GRCh37 (hg19) VCF-style: chr11-2610034-C-T.
Other names: p.P448L:CCA>CTA; NM_000218.3(KCNQ1):c.1343C>T; c.1343C>T (LRG_287t1); c.1247C>T, p.Pro416Leu (NM_001406836.1); c.1073C>T, p.Pro358Leu (NM_001406837.1); c.803C>T, p.Pro268Leu (NM_001406838.1); c.962C>T, p.Pro321Leu (NM_181798.2); short protein forms P448L, P321L, P358L, P416L, P268L.
Identifiers: ClinVar variation 67027 (VCV000067027.69), dbSNP rs12720449, ClinGen allele CA005629.